The following is an entry in ClinVar:

ClinVar aggregate classification (germline): Benign/Likely benign. Review status: criteria provided, multiple submitters, no conflicts (2 of 4 stars). 11 submissions from 11 submitters: Benign (1); Likely benign (9). 1 of the submissions does not count toward it. Last evaluated 2025-12-08.

Conditions:
TGFBR2-related disorder. Also called: TGFBR2-related condition.
Familial thoracic aortic aneurysm and aortic dissection (TAAD). Also called: Thoracic aortic aneurysms and dissections. Identifiers: Orphanet 91387, MedGen C4707243, MONDO:0019625.
Loeys-Dietz syndrome 2 (LDS2). Also called: AORTIC ANEURYSM, FAMILIAL THORACIC 3; MARFAN SYNDROME, TYPE II; Marfan syndrome, type 2 (formerly); TGFBR2-Related Loeys-Dietz Syndrome; Marfan Syndrome type 2; Marfan like connective tissue disorder. Identifiers: Orphanet 284973, Orphanet 558, MedGen C2674574, MONDO:0012427, OMIM 610168.

Allele frequency attached by ClinVar (database versions not stated): gnomAD 0.00001 and 0.00005; ExAC 0.00004; gnomAD exomes 0.00006; TOPMed 0.00008.
gnomAD v4.1: 91 of 1,607,588 alleles (0.0057%); highest among the groups gnomAD compares: Non-Finnish European, 0.0073%; no homozygotes.

Submissions (11):

Labcorp Genetics (formerly Invitae), Labcorp
Classification: Likely benign for Familial thoracic aortic aneurysm and aortic dissection. Last evaluated: 2025-12-08. Review status: criteria provided, single submitter. Criteria: Invitae Variant Classification Sherloc (09022015). Collection method: clinical testing. Allele origin: germline.

Molecular Diagnostic Laboratory for Inherited Cardiovascular Disease, Montreal Heart Institute
Classification: Likely benign. Last evaluated: 2025-04-09. Review status: criteria provided, single submitter. Criteria: ACMG Guidelines, 2015. Collection method: clinical testing. Allele origin: germline. Affected: no.

ARUP Laboratories, Molecular Genetics and Genomics, ARUP Laboratories
Classification: Likely benign. Last evaluated: 2025-02-25. Review status: criteria provided, single submitter. Criteria: ARUP Molecular Germline Variant Investigation Process 2024. Collection method: clinical testing. Allele origin: germline.

Blueprint Genetics
Classification: Likely benign. Last evaluated: 2024-10-07. Review status: criteria provided, single submitter. Criteria: ACMG Guidelines, 2015. Collection method: clinical testing. Allele origin: germline.

All of Us Research Program, National Institutes of Health
Classification: Likely benign for Loeys-Dietz syndrome 2. Last evaluated: 2024-01-03. Review status: criteria provided, single submitter. Criteria: ACMG Guidelines, 2015. Collection method: clinical testing. Allele origin: germline. Inheritance: Autosomal dominant inheritance. Observed: 16 variant alleles, 16 heterozygotes.
Comment: This study involves interpretation of variants in research participants for the purpose of population health screening. Participant phenotype was not available at the time of variant classification. Additional details can be found in publication PMID: 35346344, PMCID: PMC8962531

Ambry Genetics
Classification: Likely benign for Familial thoracic aortic aneurysm and aortic dissection. Last evaluated: 2022-08-24. Review status: criteria provided, single submitter. Criteria: Ambry Variant Classification Scheme 2023. Collection method: clinical testing. Allele origin: germline.

CeGaT Center for Human Genetics Tuebingen
Classification: Likely benign. Last evaluated: 2021-04-01. Review status: criteria provided, single submitter. Criteria: CeGaT Center For Human Genetics Tuebingen Variant Classification Criteria Version 2. Collection method: clinical testing. Allele origin: germline. Affected: yes. Observed: 2 variant alleles.

Color Diagnostics, LLC DBA Color Health
Classification: Likely benign for Familial thoracic aortic aneurysm and aortic dissection. Last evaluated: 2018-07-20. Review status: criteria provided, single submitter. Criteria: ACMG Guidelines, 2015. Collection method: clinical testing. Allele origin: germline.

CHEO Genetics Diagnostic Laboratory, Children's Hospital of Eastern Ontario
Classification: Likely benign for Familial thoracic aortic aneurysm and aortic dissection. Last evaluated: 2017-09-25. Review status: criteria provided, single submitter. Criteria: ACMG Guidelines, 2015. Collection method: clinical testing. Allele origin: germline. Study: Canadian Open Genetics Repository.

GeneDx
Classification: Benign. Last evaluated: 2016-02-10. Review status: criteria provided, single submitter. Criteria: GeneDx Variant Classification Process June 2021. Collection method: clinical testing. Allele origin: germline. Affected: yes.

PreventionGenetics, part of Exact Sciences
Classification: Likely benign for TGFBR2-related condition. Last evaluated: 2024-05-24. Review status: no assertion criteria provided. Collection method: clinical testing. Allele origin: germline. Not counted in ClinVar's aggregate classification.
Comment: This variant is classified as likely benign based on ACMG/AMP sequence variant interpretation guidelines (Richards et al. 2015 PMID: 25741868, with internal and published modifications).

NM_003242.6(TGFBR2):c.1116G>A (p.Lys372=)

Gene: TGFBR2 (transforming growth factor beta receptor 2; plus strand). Cytogenetic location: 3p24.1.
Variant type: single nucleotide variant.
Coding change: c.1116G>A on transcript NM_003242.6 (MANE Select); coding-DNA position 1116, G replaced by A.
Protein change: p.Lys372=; no amino-acid change (lysine 372 retained).
Molecular consequence: synonymous variant. On other transcripts: intron variant (1).
Genome position (GRCh38, 1-based): chr3:30,672,299, G>A. VCF-style: chr3-30672299-G-A. GRCh37 (hg19) VCF-style: chr3-30713791-G-A.
Other names: c.1191G>A, p.Lys397= (NM_001024847.3); c.1299G>A, p.Lys433= (NM_001407126.1); c.1224G>A, p.Lys408= (NM_001407127.1); c.1143G>A, p.Lys381= (NM_001407128.1); c.1119G>A, p.Lys373= (NM_001407129.1); c.1116G>A, p.Lys372= (NM_001407130.1); c.1011G>A, p.Lys337= (NM_001407132.1, NM_001407133.1, NM_001407134.1 and 2 more transcripts); c.831G>A, p.Lys277= (NM_001407137.1); and 2 more.
Identifiers: ClinVar variation 263567 (VCV000263567.65), dbSNP rs753782498, ClinGen allele CA045718.